The following is an entry in ClinVar:

ClinVar aggregate classification (germline): Uncertain significance (1 of 4 stars; one submission).

Allele frequency attached by ClinVar (database versions not stated): gnomAD exomes below 0.00001; TOPMed below 0.00001; gnomAD 0.00001.
gnomAD v4.1: 3 of 1,611,910 alleles (0.00019%); highest among the groups gnomAD compares: Admixed American, 0.0033%; no homozygotes.

Submission:

Labcorp Genetics (formerly Invitae), Labcorp
Classification: Uncertain significance. Last evaluated: 2022-11-01. Review status: criteria provided, single submitter. Criteria: Invitae Variant Classification Sherloc (09022015). Collection method: clinical testing. Allele origin: germline.
Comment: This sequence change replaces glutamic acid, which is acidic and polar, with lysine, which is basic and polar, at codon 90 of the BOLA3 protein (p.Glu90Lys). In summary, the available evidence is currently insufficient to determine the role of this variant in disease. Therefore, it has been classified as a Variant of Uncertain Significance. This variant has not been reported in the literature in individuals affected with BOLA3-related conditions. Algorithms developed to predict the effect of missense changes on protein structure and function are either unavailable or do not agree on the potential impact of this missense change (SIFT: "Deleterious"; PolyPhen-2: "Probably Damaging"; Align-GVGD: "Class C15"). This variant is present in population databases (no rsID available, gnomAD 0.003%).

NM_212552.3(BOLA3):c.268G>A (p.Glu90Lys)

Gene: BOLA3 (bolA family member 3; minus strand). Cytogenetic location: 2p13.1.
Variant type: single nucleotide variant.
Coding change: c.268G>A on transcript NM_212552.3 (MANE Select); coding-DNA position 268, G replaced by A.
Protein change: p.Glu90Lys; replaces glutamic acid 90 with lysine.
Molecular consequence: missense variant.
Genome position (GRCh38, 1-based): chr2:74,135,649, C>T on the plus strand (G>A on the coding strand, the complement: BOLA3 is on the minus strand). VCF-style: chr2-74135649-C-T. GRCh37 (hg19) VCF-style: chr2-74362776-C-T.
Other names: c.179G>A, p.Arg60Lys (NM_001035505.2); short protein forms E90K, R60K.
Identifiers: ClinVar variation 2110196 (VCV002110196.4), dbSNP rs773696418, ClinGen allele CA347310035.